The following is an entry in ClinVar:

ClinVar aggregate classification (germline): Conflicting classifications of pathogenicity. Review status: criteria provided, conflicting classifications (1 of 4 stars). 4 submissions from 4 submitters: Uncertain significance (1); Likely benign (3). Last evaluated 2026-05-01.

Conditions:
Thyroid dyshormonogenesis 6 (TDH6). Also called: THYROID HORMONOGENESIS, GENETIC DEFECT IN, 6; Genetic transient congenital hypothyroidism; HYPOTHYROIDISM, CONGENITAL, DUE TO DYSHORMONOGENESIS, 6. Identifiers: Orphanet 226316, Orphanet 95716, MedGen C1846632, MONDO:0011792, OMIM 607200.

Allele frequency attached by ClinVar (database versions not stated): 1000 Genomes Project 30x 0.00031; ESP Exome Variant Server 0.00054; TOPMed 0.00057; gnomAD 0.00061.
gnomAD v4.1: 1,722 of 1,531,830 alleles (0.11%); highest among the groups gnomAD compares: Non-Finnish European, 0.14%; 1 homozygote.

Submissions (4):

CeGaT Center for Human Genetics Tuebingen
Classification: Likely benign. Last evaluated: 2026-05-01. Review status: criteria provided, single submitter. Criteria: CeGaT Center For Human Genetics Tuebingen Variant Classification Criteria Version 2. Collection method: clinical testing. Allele origin: germline. Affected: yes. Observed: 3 variant alleles.
Comment: DUOX2: BP4

GeneDx
Classification: Likely benign. Last evaluated: 2020-08-24. Review status: criteria provided, single submitter. Criteria: GeneDx Variant Classification Process June 2021. Collection method: clinical testing. Allele origin: germline. Affected: yes.
Comment: See Variant Classification Assertion Criteria.

Labcorp Genetics (formerly Invitae), Labcorp
Classification: Likely benign. Last evaluated: 2018-12-11. Review status: criteria provided, single submitter. Criteria: Invitae Variant Classification Sherloc (09022015). Collection method: clinical testing. Allele origin: germline.

Illumina Laboratory Services, Illumina
Classification: Uncertain significance for Thyroid dyshormonogenesis 6. Last evaluated: 2018-01-12. Review status: criteria provided, single submitter. Criteria: ICSL Variant Classification Criteria 13 December 2019. Collection method: clinical testing. Allele origin: germline.

NM_001363711.2(DUOX2):c.514-4G>A

Gene: DUOX2 (dual oxidase 2; minus strand). Cytogenetic location: 15q21.1.
Variant type: single nucleotide variant.
Coding change: c.514-4G>A on transcript NM_001363711.2 (MANE Select); 4 bases into the intron before coding-DNA position 514, G replaced by A.
Molecular consequence: intron variant.
Genome position (GRCh38, 1-based): chr15:45,111,589, C>T on the plus strand (G>A on the coding strand, the complement: DUOX2 is on the minus strand). VCF-style: chr15-45111589-C-T. GRCh37 (hg19) VCF-style: chr15-45403787-C-T.
Other names: c.514-4G>A (NM_014080.5).
Identifiers: ClinVar variation 714001 (VCV000714001.32), dbSNP rs374243549, ClinGen allele CA7538915.